The following is an entry in ClinVar:

NC_000023.10:g.(?_85119625)_(85119836_?)dup

Gene: CHM (CHM Rab escort protein; minus strand). Cytogenetic location: Xq21.2.
Variant type: Duplication.
Identifiers: ClinVar variation 2423015 (VCV002423015.2).

ClinVar aggregate classification (germline): Uncertain significance (1 of 4 stars; one submission).

Submission:

Labcorp Genetics (formerly Invitae), Labcorp
Classification: Uncertain significance. Last evaluated: 2021-04-30. Review status: criteria provided, single submitter. Criteria: Invitae Variant Classification Sherloc (09022015). Collection method: clinical testing. Allele origin: germline.
Comment: This variant results in a copy number gain of the genomic region encompassing exon 15 of the CHM gene. The 5' boundary is likely confined to intron 14. The 3' end of this event is unknown as it extends beyond the assayed region for this gene and therefore may encompass additional genes. As the precise location of this event is unknown, it may be in tandem or it may be located elsewhere in the genome. This variant has not been reported in the literature in individuals with CHM-related conditions. In summary, the available evidence is currently insufficient to determine the role of this variant in disease. Therefore, it has been classified as a Variant of Uncertain Significance.